The following is an entry in ClinVar:

NM_001267550.2(TTN):c.105088G>A (p.Asp35030Asn)

Genes: TTN (titin; minus strand), TTN-AS1 (TTN antisense RNA 1; plus strand). Cytogenetic location: 2q31.2.
Variant type: single nucleotide variant.
Coding change: c.105088G>A on transcript NM_001267550.2 (MANE Select); coding-DNA position 105088, G replaced by A.
Protein change: p.Asp35030Asn; replaces aspartic acid 35030 with asparagine.
Molecular consequence: missense variant.
Genome position (GRCh38, 1-based): chr2:178,531,527, C>T on the plus strand (G>A on the coding strand, the complement: TTN is on the minus strand). VCF-style: chr2-178531527-C-T. GRCh37 (hg19) VCF-style: chr2-179396254-C-T.
Other names: c.100165G>A, p.Asp33389Asn (NM_001256850.1); c.77893G>A, p.Asp25965Asn (NM_003319.4); c.97384G>A, p.Asp32462Asn (NM_133378.4); c.78268G>A, p.Asp26090Asn (NM_133432.3); c.78469G>A, p.Asp26157Asn (NM_133437.4); short protein forms D26090N, D33389N, D26157N, D25965N, D35030N, D32462N.
Identifiers: ClinVar variation 2934797 (VCV002934797.4), dbSNP rs1689108955, ClinGen allele CA349409512.
Genomic context (GRCh38, chr2:178,531,527, plus strand): 5'-TGGGGACCTCTTCATCTCTGCGTTGGGAAGCATAGGTGGTATAATCCCCTCCTGTCACGT[C>T]CAACGTTGCATAGTCAGAAGCTTCGCCCTTGTAGTTGGTGCACACAGCACGGTAGGTTCC-3'
Protein context (NP_001254479.2, residues 35020-35040): KGEASDYATL[Asp35030Asn]VTGGDYTTYA

ClinVar aggregate classification (germline): Uncertain significance. Review status: criteria provided, multiple submitters, no conflicts (2 of 4 stars). 2 submissions from 2 submitters: Uncertain significance (2). Last evaluated 2025-04-07.

Conditions:
Dilated cardiomyopathy 1G (CMD1G). Identifiers: Orphanet 154, MedGen C1858763, MONDO:0011400, OMIM 604145.
Autosomal recessive limb-girdle muscular dystrophy type 2J (LGMDR10). Also called: Limb-girdle muscular dystrophy, type 2J; MUSCULAR DYSTROPHY, LIMB-GIRDLE, AUTOSOMAL RECESSIVE 10. Identifiers: Orphanet 140922, MedGen C1837342, MONDO:0012127, OMIM 608807.

Allele frequency attached by ClinVar (database versions not stated): TOPMed below 0.00001; gnomAD 0.00001.
gnomAD v4.1: 8 of 1,613,820 alleles (0.0005%); highest among the groups gnomAD compares: Non-Finnish European, 0.00068%; no homozygotes.

Submissions (2):

GeneDx
Classification: Uncertain significance. Last evaluated: 2025-04-07. Review status: criteria provided, single submitter. Criteria: GeneDx Variant Classification Process June 2021. Collection method: clinical testing. Allele origin: germline. Affected: yes.
Comment: Not observed at significant frequency in large population cohorts (gnomAD); Missense variant in a gene in which most reported pathogenic variants are truncating/loss of function; Has not been previously published as pathogenic or benign to our knowledge

Labcorp Genetics (formerly Invitae), Labcorp
Classification: Uncertain significance for Dilated cardiomyopathy 1G; Autosomal recessive limb-girdle muscular dystrophy type 2J. Last evaluated: 2023-06-07. Review status: criteria provided, single submitter. Criteria: Invitae Variant Classification Sherloc (09022015). Collection method: clinical testing. Allele origin: germline.
Comment: In summary, the available evidence is currently insufficient to determine the role of this variant in disease. Therefore, it has been classified as a Variant of Uncertain Significance. This variant is located in the M band of TTN (PMID: 25589632). Variants in this region may be relevant for neuromuscular disorders, but have not been definitively shown to cause cardiomyopathy (PMID: 23975875). Experimental studies and prediction algorithms are not available or were not evaluated, and the functional significance of this variant is currently unknown. This variant has not been reported in the literature in individuals affected with TTN-related conditions. This variant is not present in population databases (gnomAD no frequency). This sequence change replaces aspartic acid, which is acidic and polar, with asparagine, which is neutral and polar, at codon 35030 of the TTN protein (p.Asp35030Asn).

Literature cited by the submitters: PubMed 25589632 (cited by Labcorp Genetics (formerly Invitae), Labcorp); PubMed 23975875 (cited by Labcorp Genetics (formerly Invitae), Labcorp).